The following is an entry in ClinVar:

NM_000440.3(PDE6A):c.2432C>T (p.Ala811Val)

Gene: PDE6A (phosphodiesterase 6A; minus strand). Cytogenetic location: 5q32.
Variant type: single nucleotide variant.
Coding change: c.2432C>T on transcript NM_000440.3 (MANE Select); coding-DNA position 2432, C replaced by T.
Protein change: p.Ala811Val; replaces alanine 811 with valine.
Molecular consequence: missense variant.
Genome position (GRCh38, 1-based): chr5:149,863,193, G>A on the plus strand (C>T on the coding strand, the complement: PDE6A is on the minus strand). VCF-style: chr5-149863193-G-A. GRCh37 (hg19) VCF-style: chr5-149242756-G-A.
Other names: short protein forms A811V.
Identifiers: ClinVar variation 1361290 (VCV001361290.7), dbSNP rs770823436, ClinGen allele CA3504278.

ClinVar aggregate classification (germline): Uncertain significance. Review status: criteria provided, multiple submitters, no conflicts (2 of 4 stars). 3 submissions from 3 submitters: Uncertain significance (3). Last evaluated 2023-10-01.

Conditions:
Retinal dystrophy. Also called: Inherited retinal dystrophy. Identifiers: Orphanet 71862, MedGen C0854723, MeSH D058499, MONDO:0019118, HP:0000556.

Allele frequency attached by ClinVar (database versions not stated): gnomAD 0.00001; ExAC 0.00002; gnomAD exomes 0.00002 and 0.00004; TOPMed 0.00002; 1000 Genomes Project 30x 0.00031.
gnomAD v4.1: 34 of 1,614,126 alleles (0.0021%); highest among the groups gnomAD compares: South Asian, 0.0088%; no homozygotes.

Submissions (3):

Dept Of Ophthalmology, Nagoya University
Classification: Uncertain significance for Retinal dystrophy. Last evaluated: 2023-10-01. Review status: criteria provided, single submitter. Criteria: Submitter's publication. Collection method: research. Allele origin: germline. Affected: yes.

Labcorp Genetics (formerly Invitae), Labcorp
Classification: Uncertain significance. Last evaluated: 2022-07-05. Review status: criteria provided, single submitter. Criteria: Invitae Variant Classification Sherloc (09022015). Collection method: clinical testing. Allele origin: germline.
Comment: This sequence change replaces alanine, which is neutral and non-polar, with valine, which is neutral and non-polar, at codon 811 of the PDE6A protein (p.Ala811Val). This variant is present in population databases (rs770823436, gnomAD 0.02%). This variant has not been reported in the literature in individuals affected with PDE6A-related conditions. ClinVar contains an entry for this variant (Variation ID: 1361290). Algorithms developed to predict the effect of missense changes on protein structure and function output the following: SIFT: "Deleterious"; PolyPhen-2: "Benign"; Align-GVGD: "Class C0". The valine amino acid residue is found in multiple mammalian species, which suggests that this missense change does not adversely affect protein function. Algorithms developed to predict the effect of sequence changes on RNA splicing suggest that this variant may create or strengthen a splice site. In summary, the available evidence is currently insufficient to determine the role of this variant in disease. Therefore, it has been classified as a Variant of Uncertain Significance.

Blueprint Genetics
Classification: Uncertain significance. Last evaluated: 2022-01-14. Review status: criteria provided, single submitter. Criteria: ACMG Guidelines, 2015. Collection method: clinical testing. Allele origin: germline.